The following is an entry in ClinVar:

ClinVar aggregate classification (germline): Uncertain significance (1 of 4 stars; one submission).

Submission:

Labcorp Genetics (formerly Invitae), Labcorp
Classification: Uncertain significance. Last evaluated: 2025-12-24. Review status: criteria provided, single submitter. Criteria: Invitae Variant Classification Sherloc (09022015). Collection method: clinical testing. Allele origin: germline.
Comment: This sequence change replaces arginine, which is basic and polar, with threonine, which is neutral and polar, at codon 1262 of the SETBP1 protein (p.Arg1262Thr). This variant is not present in population databases (gnomAD no frequency). This variant has not been reported in the literature in individuals affected with SETBP1-related conditions. Invitae Evidence Modeling of protein sequence and biophysical properties (such as structural, functional, and spatial information, amino acid conservation, physicochemical variation, residue mobility, and thermodynamic stability) indicates that this missense variant is not expected to disrupt SETBP1 protein function with a negative predictive value of 80%. In summary, the available evidence is currently insufficient to determine the role of this variant in disease. Therefore, it has been classified as a Variant of Uncertain Significance.

NM_015559.3(SETBP1):c.3785G>C (p.Arg1262Thr)

Gene: SETBP1 (SET binding protein 1; plus strand). Cytogenetic location: 18q12.3.
Variant type: single nucleotide variant.
Coding change: c.3785G>C on transcript NM_015559.3 (MANE Select); coding-DNA position 3785, G replaced by C.
Protein change: p.Arg1262Thr; replaces arginine 1262 with threonine.
Molecular consequence: missense variant.
Genome position (GRCh38, 1-based): chr18:44,953,125, G>C. VCF-style: chr18-44953125-G-C. GRCh37 (hg19) VCF-style: chr18-42533090-G-C.
Other names: c.3785G>C, p.Arg1262Thr (NM_001379141.1, NM_001379142.1, NM_001410862.1); short protein forms R1262T.
Identifiers: ClinVar variation 4803515 (VCV004803515.1).
Genomic context (GRCh38, chr18:44,953,125, plus strand): 5'-GGACACAGGCCAAGGAAAAAGGAGACTTGAGCAGTGAGCCTGTGGACTCATGCACGAAAA[G>C]ATACTCTGGCAGTGGCGGGGATGGTGGCAGCACGAGATCAGAGAACCTGGACGTGTTCAG-3'
Protein context (NP_056374.2, residues 1252-1272): SSEPVDSCTK[Arg1262Thr]YSGSGGDGGS